The following is an entry in ClinVar:

ClinVar aggregate classification (germline): Uncertain significance. Review status: criteria provided, multiple submitters, no conflicts (2 of 4 stars). 2 submissions from 2 submitters: Uncertain significance (2). Last evaluated 2025-08-04.

Allele frequency attached by ClinVar (database versions not stated): gnomAD exomes below 0.00001.
gnomAD v4.1: 2 of 1,613,444 alleles (0.00012%); highest among the groups gnomAD compares: Non-Finnish European, 0.000085%; no homozygotes.

Submissions (2):

Ambry Genetics
Classification: Uncertain significance. Last evaluated: 2025-08-04. Review status: criteria provided, single submitter. Criteria: Ambry Variant Classification Scheme 2023. Collection method: clinical testing. Allele origin: germline.

Labcorp Genetics (formerly Invitae), Labcorp
Classification: Uncertain significance. Last evaluated: 2024-10-16. Review status: criteria provided, single submitter. Criteria: Invitae Variant Classification Sherloc (09022015). Collection method: clinical testing. Allele origin: germline.
Comment: This sequence change replaces asparagine, which is neutral and polar, with serine, which is neutral and polar, at codon 1133 of the ADGRA3 protein (p.Asn1133Ser). This variant is not present in population databases (gnomAD no frequency). This variant has not been reported in the literature in individuals affected with ADGRA3-related conditions. ClinVar contains an entry for this variant (Variation ID: 1388041). An algorithm developed to predict the effect of missense changes on protein structure and function outputs the following: PolyPhen-2: "Benign". The serine amino acid residue is found in multiple mammalian species, which suggests that this missense change does not adversely affect protein function. In summary, the available evidence is currently insufficient to determine the role of this variant in disease. Therefore, it has been classified as a Variant of Uncertain Significance.

NM_145290.4(ADGRA3):c.3398A>G (p.Asn1133Ser)

Gene: ADGRA3 (adhesion G protein-coupled receptor A3; minus strand). Cytogenetic location: 4p15.2.
Variant type: single nucleotide variant.
Coding change: c.3398A>G on transcript NM_145290.4 (MANE Select); coding-DNA position 3398, A replaced by G.
Protein change: p.Asn1133Ser; replaces asparagine 1133 with serine.
Molecular consequence: missense variant.
Genome position (GRCh38, 1-based): chr4:22,388,273, T>C on the plus strand (A>G on the coding strand, the complement: ADGRA3 is on the minus strand). VCF-style: chr4-22388273-T-C. GRCh37 (hg19) VCF-style: chr4-22389896-T-C.
Other names: c.3398A>G (NM_145290.2); short protein forms N1133S.
Identifiers: ClinVar variation 1388041 (VCV001388041.7), dbSNP rs2108988758, ClinGen allele CA356472626.